The following is an entry in ClinVar:

NM_014423.4(AFF4):c.883C>G (p.Leu295Val)

Gene: AFF4 (ALF transcription elongation factor 4; minus strand). Cytogenetic location: 5q31.1.
Variant type: single nucleotide variant.
Coding change: c.883C>G on transcript NM_014423.4 (MANE Select); coding-DNA position 883, C replaced by G.
Protein change: p.Leu295Val; replaces leucine 295 with valine.
Molecular consequence: missense variant.
Genome position (GRCh38, 1-based): chr5:132,934,182, G>C on the plus strand (C>G on the coding strand, the complement: AFF4 is on the minus strand). VCF-style: chr5-132934182-G-C. GRCh37 (hg19) VCF-style: chr5-132269874-G-C.
Other names: short protein forms L295V.
Identifiers: ClinVar variation 4571638 (VCV004571638.2).

ClinVar aggregate classification (germline): Uncertain significance. Review status: criteria provided, multiple submitters, no conflicts (2 of 4 stars). 2 submissions from 2 submitters: Uncertain significance (2). Last evaluated 2025-12-17.

Conditions:
Cognitive impairment - coarse facies - heart defects - obesity - pulmonary involvement - short stature - skeletal dysplasia syndrome. Also called: Chops syndrome; COGNITIVE IMPAIRMENT, COARSE FACIES, HEART DEFECTS, OBESITY, PULMONARY INVOLVEMENT, SHORT STATURE, AND SKELETAL DYSPLASIA; AFF4-Related CHOPS Syndrome. Identifiers: Orphanet 444077, MedGen C4085597, MONDO:0014609, OMIM 616368.
Inborn genetic diseases. Identifiers: MedGen C0950123, MeSH D030342.

Submissions (2):

Labcorp Genetics (formerly Invitae), Labcorp
Classification: Uncertain significance for Cognitive impairment - coarse facies - heart defects - obesity - pulmonary involvement - short stature - skeletal dysplasia syndrome. Last evaluated: 2025-12-17. Review status: criteria provided, single submitter. Criteria: Invitae Variant Classification Sherloc (09022015). Collection method: clinical testing. Allele origin: germline.
Comment: This sequence change replaces leucine, which is neutral and non-polar, with valine, which is neutral and non-polar, at codon 295 of the AFF4 protein (p.Leu295Val). This variant is not present in population databases (gnomAD no frequency). This variant has not been reported in the literature in individuals affected with AFF4-related conditions. Invitae Evidence Modeling of protein sequence and biophysical properties (such as structural, functional, and spatial information, amino acid conservation, physicochemical variation, residue mobility, and thermodynamic stability) indicates that this missense variant is expected to disrupt AFF4 protein function with a positive predictive value of 80%. In summary, the available evidence is currently insufficient to determine the role of this variant in disease. Therefore, it has been classified as a Variant of Uncertain Significance.

Ambry Genetics
Classification: Uncertain significance for Inborn genetic diseases. Last evaluated: 2025-12-09. Review status: criteria provided, single submitter. Criteria: Ambry Variant Classification Scheme 2023. Collection method: clinical testing. Allele origin: germline.